The following is an entry in ClinVar:

ClinVar aggregate classification (germline): Uncertain significance. Review status: criteria provided, multiple submitters, no conflicts (2 of 4 stars). 3 submissions from 3 submitters: Uncertain significance (3). Last evaluated 2025-05-09.

Conditions:
Hypertrophic cardiomyopathy 9. Also called: Familial hypertrophic cardiomyopathy 9. Identifiers: MedGen C1861065, MONDO:0013412, OMIM 613765.
Tibial muscular dystrophy (TMD). Also called: UDD MYOPATHY; Udd Distal Myopathy – Tibial Muscular Dystrophy; Tibial muscular dystrophy, tardive. Identifiers: Orphanet 609, MedGen C1838244, MONDO:0010870, OMIM 600334.
Early-onset myopathy with fatal cardiomyopathy (CMYO5). Also called: Salih Myopathy; CONGENITAL MYOPATHY 5 WITH CARDIOMYOPATHY. Identifiers: Orphanet 289377, MedGen C2673677, MONDO:0012714, OMIM 611705. Disease mechanism: loss of function.
Myopathy, myofibrillar, 9, with early respiratory failure (MFM9). Also called: MYOPATHY, PROXIMAL, WITH EARLY RESPIRATORY MUSCLE INVOLVEMENT; Hereditary myopathy with early respiratory failure; EDSTROM MYOPATHY; Myopathy, distal, with early respiratory failure, autosomal dominant. Identifiers: Orphanet 178464, Orphanet 34521, MedGen C1863599, MONDO:0011362, OMIM 603689.
Dilated cardiomyopathy 1G (CMD1G). Identifiers: Orphanet 154, MedGen C1858763, MONDO:0011400, OMIM 604145.
Autosomal recessive limb-girdle muscular dystrophy type 2J (LGMDR10). Also called: Limb-girdle muscular dystrophy, type 2J; MUSCULAR DYSTROPHY, LIMB-GIRDLE, AUTOSOMAL RECESSIVE 10. Identifiers: Orphanet 140922, MedGen C1837342, MONDO:0012127, OMIM 608807.

Allele frequency attached by ClinVar (database versions not stated): gnomAD 0.00001; gnomAD exomes 0.00001 and 0.00002; ExAC 0.00002; TOPMed 0.00002; ESP Exome Variant Server 0.00008.
gnomAD v4.1: 14 of 1,613,900 alleles (0.00087%); highest among the groups gnomAD compares: Admixed American, 0.0067%; no homozygotes.

Submissions (3):

Labcorp Genetics (formerly Invitae), Labcorp
Classification: Uncertain significance for Dilated cardiomyopathy 1G; Autosomal recessive limb-girdle muscular dystrophy type 2J. Last evaluated: 2025-05-09. Review status: criteria provided, single submitter. Criteria: Invitae Variant Classification Sherloc (09022015). Collection method: clinical testing. Allele origin: germline.
Comment: This sequence change replaces histidine with arginine at codon 35590 of the TTN protein (p.His35590Arg). There is a small physicochemical difference between histidine and arginine. This variant is present in population databases (rs375572802, gnomAD 0.01%). This variant has not been reported in the literature in individuals affected with TTN-related conditions. ClinVar contains an entry for this variant (Variation ID: 1059450). Experimental studies and prediction algorithms are not available or were not evaluated, and the functional significance of this variant is currently unknown. This variant is located in the M band of TTN (PMID: 25589632). Non-truncating variants in this region may be relevant for neuromuscular disorders, but have not been definitively shown to cause cardiomyopathy (PMID: 23975875). In summary, the available evidence is currently insufficient to determine the role of this variant in disease. Therefore, it has been classified as a Variant of Uncertain Significance.

Fulgent Genetics
Classification: Uncertain significance for Tibial muscular dystrophy; Myopathy, myofibrillar, 9, with early respiratory failure; Dilated cardiomyopathy 1G; Autosomal recessive limb-girdle muscular dystrophy type 2J; Early-onset myopathy with fatal cardiomyopathy; Hypertrophic cardiomyopathy 9. Last evaluated: 2021-08-11. Review status: criteria provided, single submitter. Criteria: ACMG Guidelines, 2015. Collection method: clinical testing. Allele origin: unknown.

Revvity Omics, Revvity
Classification: Uncertain significance. Last evaluated: 2021-02-10. Review status: criteria provided, single submitter. Criteria: ACMG Guidelines, 2015. Collection method: clinical testing. Allele origin: germline.

Literature cited by the submitters: PubMed 25589632 (cited by Labcorp Genetics (formerly Invitae), Labcorp); PubMed 23975875 (cited by Labcorp Genetics (formerly Invitae), Labcorp).

NM_001267550.2(TTN):c.106769A>G (p.His35590Arg)

Genes: TTN (titin; minus strand), TTN-AS1 (TTN antisense RNA 1; plus strand). Cytogenetic location: 2q31.2.
Variant type: single nucleotide variant.
Coding change: c.106769A>G on transcript NM_001267550.2 (MANE Select); coding-DNA position 106769, A replaced by G.
Protein change: p.His35590Arg; replaces histidine 35590 with arginine.
Molecular consequence: missense variant.
Genome position (GRCh38, 1-based): chr2:178,528,982, T>C on the plus strand (A>G on the coding strand, the complement: TTN is on the minus strand). VCF-style: chr2-178528982-T-C. GRCh37 (hg19) VCF-style: chr2-179393709-T-C.
Other names: c.101846A>G, p.His33949Arg (NM_001256850.1); c.79574A>G, p.His26525Arg (NM_003319.4); c.99065A>G, p.His33022Arg (NM_133378.4); c.79949A>G, p.His26650Arg (NM_133432.3); c.80150A>G, p.His26717Arg (NM_133437.4); short protein forms H26525R, H26650R, H26717R, H33022R, H33949R, H35590R.
Identifiers: ClinVar variation 1059450 (VCV001059450.10), dbSNP rs375572802, ClinGen allele CA1985048.